The following is an entry in ClinVar:

NM_006015.6(ARID1A):c.6071G>A (p.Arg2024Gln)

Gene: ARID1A (AT-rich interaction domain 1A; plus strand). Cytogenetic location: 1p36.11.
Variant type: single nucleotide variant.
Coding change: c.6071G>A on transcript NM_006015.6 (MANE Select); coding-DNA position 6071, G replaced by A.
Protein change: p.Arg2024Gln; replaces arginine 2024 with glutamine.
Molecular consequence: missense variant.
Genome position (GRCh38, 1-based): chr1:26,779,969, G>A. VCF-style: chr1-26779969-G-A. GRCh37 (hg19) VCF-style: chr1-27106460-G-A.
Other names: c.5420G>A, p.Arg1807Gln (NM_139135.4); short protein forms R1807Q, R2024Q.
Identifiers: ClinVar variation 1314438 (VCV001314438.4), dbSNP rs2124145554, ClinGen allele CA339189787.
Genomic context (GRCh38, chr1:26,779,969, plus strand): 5'-ACCCAGGGCTGCTGCTCATCCTGGGCAAGCTGATCCTGCTGCACCACAAGCACCCAGAAC[G>A]GAAGCAGGCACCACTAACTTATGAAAAGGAGGAGGAACAGGACCAAGGGGTGAGCTGCAA-3'
Protein context (NP_006006.3, residues 2014-2034): LILLHHKHPE[Arg2024Gln]KQAPLTYEKE

ClinVar aggregate classification (germline): Uncertain significance. Review status: criteria provided, multiple submitters, no conflicts (2 of 4 stars). 2 submissions from 2 submitters: Uncertain significance (2). Last evaluated 2024-10-08.

Submissions (2):

Labcorp Genetics (formerly Invitae), Labcorp
Classification: Uncertain significance. Last evaluated: 2024-10-08. Review status: criteria provided, single submitter. Criteria: Invitae Variant Classification Sherloc (09022015). Collection method: clinical testing. Allele origin: germline.
Comment: This sequence change replaces arginine, which is basic and polar, with glutamine, which is neutral and polar, at codon 2024 of the ARID1A protein (p.Arg2024Gln). This variant is not present in population databases (gnomAD no frequency). This variant has not been reported in the literature in individuals affected with ARID1A-related conditions. ClinVar contains an entry for this variant (Variation ID: 1314438). Invitae Evidence Modeling of protein sequence and biophysical properties (such as structural, functional, and spatial information, amino acid conservation, physicochemical variation, residue mobility, and thermodynamic stability) indicates that this missense variant is expected to disrupt ARID1A protein function with a positive predictive value of 80%. In summary, the available evidence is currently insufficient to determine the role of this variant in disease. Therefore, it has been classified as a Variant of Uncertain Significance.

GeneDx
Classification: Uncertain significance. Last evaluated: 2021-04-06. Review status: criteria provided, single submitter. Criteria: GeneDx Variant Classification Process June 2021. Collection method: clinical testing. Allele origin: germline. Affected: yes.
Comment: Not observed in large population cohorts (Lek et al., 2016); In silico analysis supports that this missense variant has a deleterious effect on protein structure/function; Has not been previously published as pathogenic or benign to our knowledge